The following is an entry in ClinVar:

NM_012179.4(FBXO7):c.1264A>T (p.Ile422Phe)

Gene: FBXO7 (F-box protein 7; plus strand). Cytogenetic location: 22q12.3.
Variant type: single nucleotide variant.
Coding change: c.1264A>T on transcript NM_012179.4 (MANE Select); coding-DNA position 1264, A replaced by T.
Protein change: p.Ile422Phe; replaces isoleucine 422 with phenylalanine.
Molecular consequence: missense variant.
Genome position (GRCh38, 1-based): chr22:32,498,225, A>T. VCF-style: chr22-32498225-A-T. GRCh37 (hg19) VCF-style: chr22-32894212-A-T.
Other names: c.1027A>T, p.Ile343Phe (NM_001033024.2); c.922A>T, p.Ile308Phe (NM_001257990.2); short protein forms I308F, I343F, I422F.
Identifiers: ClinVar variation 971129 (VCV000971129.8), dbSNP rs1555884880, ClinGen allele CA10201710.

ClinVar aggregate classification (germline): Uncertain significance. Review status: criteria provided, multiple submitters, no conflicts (2 of 4 stars). 2 submissions from 2 submitters: Uncertain significance (2). Last evaluated 2023-03-14.

Conditions:
Parkinsonian-pyramidal syndrome. Also called: PARKINSON DISEASE 15, AUTOSOMAL RECESSIVE; PALLIDOPYRAMIDAL SYNDROME; PARKINSON DISEASE 15, AUTOSOMAL RECESSIVE EARLY-ONSET. Identifiers: Orphanet 171695, MedGen C1850100, MONDO:0009830, OMIM 260300.
Inborn genetic diseases. Identifiers: MedGen C0950123, MeSH D030342.

Allele frequency attached by ClinVar (database versions not stated): ExAC 0.00001; gnomAD exomes 0.00001 and 0.00002; TOPMed 0.00001.
gnomAD v4.1: 20 of 1,614,214 alleles (0.0012%); highest among the groups gnomAD compares: Non-Finnish European, 0.00025%; no homozygotes.

Submissions (2):

Ambry Genetics
Classification: Uncertain significance for Inborn genetic diseases. Last evaluated: 2023-03-14. Review status: criteria provided, single submitter. Criteria: Ambry Variant Classification Scheme 2023. Collection method: clinical testing. Allele origin: germline.

Labcorp Genetics (formerly Invitae), Labcorp
Classification: Uncertain significance for Parkinsonian-pyramidal syndrome. Last evaluated: 2021-09-01. Review status: criteria provided, single submitter. Criteria: Invitae Variant Classification Sherloc (09022015). Collection method: clinical testing. Allele origin: germline.
Comment: This sequence change replaces isoleucine with phenylalanine at codon 422 of the FBXO7 protein (p.Ile422Phe). The isoleucine residue is moderately conserved and there is a small physicochemical difference between isoleucine and phenylalanine. This variant is present in population databases (no rsID available, ExAC 0.001%). This variant has not been reported in the literature in individuals affected with FBXO7-related conditions. Algorithms developed to predict the effect of missense changes on protein structure and function (SIFT, PolyPhen-2, Align-GVGD) all suggest that this variant is likely to be tolerated. In summary, the available evidence is currently insufficient to determine the role of this variant in disease. Therefore, it has been classified as a Variant of Uncertain Significance.